The following is an entry in ClinVar:

NM_006129.5(BMP1):c.2809C>T (p.Arg937Cys)

Gene: BMP1 (bone morphogenetic protein 1; plus strand). Cytogenetic location: 8p21.3.
Variant type: single nucleotide variant.
Coding change: c.2809C>T on transcript NM_006129.5 (MANE Select); coding-DNA position 2809, C replaced by T.
Protein change: p.Arg937Cys; replaces arginine 937 with cysteine.
Molecular consequence: missense variant. On other transcripts: non-coding transcript variant (1).
Genome position (GRCh38, 1-based): chr8:22,209,678, C>T. VCF-style: chr8-22209678-C-T. GRCh37 (hg19) VCF-style: chr8-22067191-C-T.
Other names: c.2809C>T (NM_006129.4); short protein forms R937C.
Identifiers: ClinVar variation 1440920 (VCV001440920.8), dbSNP rs754153921, ClinGen allele CA4665367.

ClinVar aggregate classification (germline): Uncertain significance. Review status: criteria provided, multiple submitters, no conflicts (2 of 4 stars). 2 submissions from 2 submitters: Uncertain significance (2). Last evaluated 2025-08-02.

Conditions:
Inborn genetic diseases. Identifiers: MedGen C0950123, MeSH D030342.

Allele frequency attached by ClinVar (database versions not stated): gnomAD 0.00001; gnomAD exomes 0.00001 and 0.00002; ExAC 0.00002; TOPMed 0.00002.

Submissions (2):

Ambry Genetics
Classification: Uncertain significance for Inborn genetic diseases. Last evaluated: 2025-08-02. Review status: criteria provided, single submitter. Criteria: Ambry Variant Classification Scheme 2023. Collection method: clinical testing. Allele origin: germline.

Labcorp Genetics (formerly Invitae), Labcorp
Classification: Uncertain significance. Last evaluated: 2025-06-25. Review status: criteria provided, single submitter. Criteria: Invitae Variant Classification Sherloc (09022015). Collection method: clinical testing. Allele origin: germline.
Comment: This sequence change replaces arginine, which is basic and polar, with cysteine, which is neutral and slightly polar, at codon 937 of the BMP1 protein (p.Arg937Cys). This variant is present in population databases (rs754153921, gnomAD 0.01%). This variant has not been reported in the literature in individuals affected with BMP1-related conditions. ClinVar contains an entry for this variant (Variation ID: 1440920). Invitae Evidence Modeling of protein sequence and biophysical properties (such as structural, functional, and spatial information, amino acid conservation, physicochemical variation, residue mobility, and thermodynamic stability) indicates that this missense variant is expected to disrupt BMP1 protein function with a positive predictive value of 80%. In summary, the available evidence is currently insufficient to determine the role of this variant in disease. Therefore, it has been classified as a Variant of Uncertain Significance.